The following is an entry in ClinVar:

ClinVar aggregate classification (germline): Uncertain significance (1 of 4 stars; one submission).

Conditions:
Bethlem myopathy 1A. Also called: Bethlem myopathy 1; MYOPATHY, BENIGN CONGENITAL, WITH CONTRACTURES; Bethlem Muscular Dystrophy. Identifiers: Orphanet 610, MedGen CN029274, MONDO:0024530, OMIM 158810.

gnomAD v4.1: 1 of 1,614,206 alleles (0.000062%); highest among the groups gnomAD compares: Admixed American, 0.0017%; no homozygotes.

Submission:

Labcorp Genetics (formerly Invitae), Labcorp
Classification: Uncertain significance for Bethlem myopathy 1A. Last evaluated: 2023-03-17. Review status: criteria provided, single submitter. Criteria: Invitae Variant Classification Sherloc (09022015). Collection method: clinical testing. Allele origin: germline.
Comment: This sequence change replaces arginine, which is basic and polar, with glycine, which is neutral and non-polar, at codon 1918 of the COL6A3 protein (p.Arg1918Gly). In summary, the available evidence is currently insufficient to determine the role of this variant in disease. Therefore, it has been classified as a Variant of Uncertain Significance. Advanced modeling of protein sequence and biophysical properties (such as structural, functional, and spatial information, amino acid conservation, physicochemical variation, residue mobility, and thermodynamic stability) performed at Invitae indicates that this missense variant is not expected to disrupt COL6A3 protein function. This variant has not been reported in the literature in individuals affected with COL6A3-related conditions. This variant is not present in population databases (gnomAD no frequency).

NM_004369.4(COL6A3):c.5752C>G (p.Arg1918Gly)

Gene: COL6A3 (collagen type VI alpha 3 chain; minus strand). Cytogenetic location: 2q37.3.
Variant type: single nucleotide variant.
Coding change: c.5752C>G on transcript NM_004369.4 (MANE Select); coding-DNA position 5752, C replaced by G.
Protein change: p.Arg1918Gly; replaces arginine 1918 with glycine.
Molecular consequence: missense variant.
Genome position (GRCh38, 1-based): chr2:237,365,784, G>C on the plus strand (C>G on the coding strand, the complement: COL6A3 is on the minus strand). VCF-style: chr2-237365784-G-C. GRCh37 (hg19) VCF-style: chr2-238274427-G-C.
Other names: c.5134C>G, p.Arg1712Gly (NM_057167.4); c.3931C>G, p.Arg1311Gly (NM_057166.5); short protein forms R1311G, R1712G, R1918G.
Identifiers: ClinVar variation 2785126 (VCV002785126.3), dbSNP rs750367811, ClinGen allele CA67813472.